The following is an entry in ClinVar:

NM_002476.2(MYL4):c.318G>A (p.Met106Ile)

Gene: MYL4 (myosin light chain 4; plus strand). Cytogenetic location: 17q21.32.
Variant type: single nucleotide variant.
Coding change: c.318G>A on transcript NM_002476.2 (MANE Select); coding-DNA position 318, G replaced by A.
Protein change: p.Met106Ile; replaces methionine 106 with isoleucine.
Molecular consequence: missense variant.
Genome position (GRCh38, 1-based): chr17:47,221,686, G>A. VCF-style: chr17-47221686-G-A. GRCh37 (hg19) VCF-style: chr17-45299052-G-A.
Other names: c.318G>A, p.Met106Ile (NM_001002841.2); short protein forms M106I.
Identifiers: ClinVar variation 1046399 (VCV001046399.8), dbSNP rs138156448, ClinGen allele CA8622720.

ClinVar aggregate classification (germline): Uncertain significance (1 of 4 stars; one submission).

Conditions:
Atrial fibrillation, familial, 18 (ATFB18). Identifiers: MedGen C4310636, MONDO:0015001, OMIM 617280.

Allele frequency attached by ClinVar (database versions not stated): gnomAD exomes 0.00001; ExAC 0.00002; ESP Exome Variant Server 0.00008.

Submission:

Labcorp Genetics (formerly Invitae), Labcorp
Classification: Uncertain significance for Atrial fibrillation, familial, 18. Last evaluated: 2024-12-05. Review status: criteria provided, single submitter. Criteria: Invitae Variant Classification Sherloc (09022015). Collection method: clinical testing. Allele origin: germline.
Comment: This sequence change replaces methionine, which is neutral and non-polar, with isoleucine, which is neutral and non-polar, at codon 106 of the MYL4 protein (p.Met106Ile). This variant is present in population databases (rs138156448, gnomAD 0.002%). This variant has not been reported in the literature in individuals affected with MYL4-related conditions. ClinVar contains an entry for this variant (Variation ID: 1046399). An algorithm developed to predict the effect of missense changes on protein structure and function (PolyPhen-2) suggests that this variant is likely to be tolerated. In summary, the available evidence is currently insufficient to determine the role of this variant in disease. Therefore, it has been classified as a Variant of Uncertain Significance.